The following is an entry in ClinVar:

NM_001379081.2(FREM1):c.4813G>A (p.Val1605Met)

Gene: FREM1 (FRAS1 related extracellular matrix 1; minus strand). Cytogenetic location: 9p22.3.
Variant type: single nucleotide variant.
Coding change: c.4813G>A on transcript NM_001379081.2 (MANE Select); coding-DNA position 4813, G replaced by A.
Protein change: p.Val1605Met; replaces valine 1605 with methionine.
Molecular consequence: missense variant. On other transcripts: non-coding transcript variant (2).
Genome position (GRCh38, 1-based): chr9:14,775,833, C>T on the plus strand (G>A on the coding strand, the complement: FREM1 is on the minus strand). VCF-style: chr9-14775833-C-T. GRCh37 (hg19) VCF-style: chr9-14775831-C-T.
Other names: c.421G>A, p.Val141Met (NM_001177704.3, NM_001370058.2, NM_001370061.2); c.4813G>A, p.Val1605Met (NM_144966.7); short protein forms V1605M, V141M.
Identifiers: ClinVar variation 3712492 (VCV003712492.2).

ClinVar aggregate classification (germline): Uncertain significance (1 of 4 stars; one submission).

Submission:

Labcorp Genetics (formerly Invitae), Labcorp
Classification: Uncertain significance. Last evaluated: 2025-08-18. Review status: criteria provided, single submitter. Criteria: Invitae Variant Classification Sherloc (09022015). Collection method: clinical testing. Allele origin: germline.
Comment: This sequence change replaces valine, which is neutral and non-polar, with methionine, which is neutral and non-polar, at codon 1605 of the FREM1 protein (p.Val1605Met). This variant is not present in population databases (gnomAD no frequency). This variant has not been reported in the literature in individuals affected with FREM1-related conditions. ClinVar contains an entry for this variant (Variation ID: 3712492). Invitae Evidence Modeling of protein sequence and biophysical properties (such as structural, functional, and spatial information, amino acid conservation, physicochemical variation, residue mobility, and thermodynamic stability) indicates that this missense variant is not expected to disrupt FREM1 protein function with a negative predictive value of 80%. In summary, the available evidence is currently insufficient to determine the role of this variant in disease. Therefore, it has been classified as a Variant of Uncertain Significance.